The following is an entry in ClinVar:

NM_032578.4(MYPN):c.634C>G (p.Pro212Ala)

Gene: MYPN (myopalladin; plus strand). Cytogenetic location: 10q21.3.
Variant type: single nucleotide variant.
Coding change: c.634C>G on transcript NM_032578.4 (MANE Select); coding-DNA position 634, C replaced by G.
Protein change: p.Pro212Ala; replaces proline 212 with alanine.
Molecular consequence: missense variant. On other transcripts: 5 prime UTR variant (1), non-coding transcript variant (1).
Genome position (GRCh38, 1-based): chr10:68,122,072, C>G. VCF-style: chr10-68122072-C-G. GRCh37 (hg19) VCF-style: chr10-69881829-C-G.
Other names: c.634C>G, p.Pro212Ala (NM_001256267.2); c.-489C>G (NM_001256268.2); short protein forms P212A.
Identifiers: ClinVar variation 2066319 (VCV002066319.4), dbSNP rs2495465348, ClinGen allele CA377104790.
Genomic context (GRCh38, chr10:68,122,072, plus strand): 5'-ATGCAGGAAAACAGCTCCAGTTTCTCAGATCTGTCAGAAAGACGAGAAAGATCTTCTGTT[C>G]CCATCCCTATCCCTGCGGATACCAGGGATAATGAAGTGAATCACGCCCTGGAACAGCAGG-3'
Protein context (NP_115967.2, residues 202-222): LSERRERSSV[Pro212Ala]IPIPADTRDN

ClinVar aggregate classification (germline): Uncertain significance (1 of 4 stars; one submission).

Conditions:
Dilated cardiomyopathy 1KK (CMD1KK). Identifiers: Orphanet 154, Orphanet 75249, MedGen C3714995, MONDO:0014100, OMIM 615248.

Submission:

Labcorp Genetics (formerly Invitae), Labcorp
Classification: Uncertain significance for Dilated cardiomyopathy 1KK. Last evaluated: 2021-12-30. Review status: criteria provided, single submitter. Criteria: Invitae Variant Classification Sherloc (09022015). Collection method: clinical testing. Allele origin: germline.
Comment: This sequence change replaces proline, which is neutral and non-polar, with alanine, which is neutral and non-polar, at codon 212 of the MYPN protein (p.Pro212Ala). This variant is not present in population databases (gnomAD no frequency). This variant has not been reported in the literature in individuals affected with MYPN-related conditions. Algorithms developed to predict the effect of missense changes on protein structure and function (SIFT, PolyPhen-2, Align-GVGD) all suggest that this variant is likely to be tolerated. In summary, the available evidence is currently insufficient to determine the role of this variant in disease. Therefore, it has been classified as a Variant of Uncertain Significance.